The following is an entry in ClinVar:

NM_001378454.1(ALMS1):c.443A>G (p.Asp148Gly)

Gene: ALMS1 (ALMS1 centrosome and basal body associated protein; plus strand). Cytogenetic location: 2p13.1.
Variant type: single nucleotide variant.
Coding change: c.443A>G on transcript NM_001378454.1 (MANE Select); coding-DNA position 443, A replaced by G.
Protein change: p.Asp148Gly; replaces aspartic acid 148 with glycine.
Molecular consequence: missense variant.
Genome position (GRCh38, 1-based): chr2:73,408,740, A>G. VCF-style: chr2-73408740-A-G. GRCh37 (hg19) VCF-style: chr2-73635868-A-G.
Other names: c.446A>G, p.Asp149Gly (NM_015120.4); short protein forms D148G, D149G.
Identifiers: ClinVar variation 4990721 (VCV004990721.1).
Genomic context (GRCh38, chr2:73,408,740, plus strand): 5'-CACAAATTTCTGATACTAATGTGGTCTGTTTGGAAACAACAGCTCAGCGGGGTTCTGGGG[A>G]TGATCAGGTATGTCTTCTGTAACTGGCTAACTTTTTTTTTTTGATAAGCAGCACAAGAAA-3'
Protein context (NP_001365383.1, residues 138-158): LETTAQRGSG[Asp148Gly]DQKTESWHCL

ClinVar aggregate classification (germline): Uncertain significance (1 of 4 stars; one submission).

Conditions:
ALMS1-related disorder. Also called: ALMS1-related condition.

Submission:

PreventionGenetics, part of Exact Sciences
Classification: Uncertain significance for ALMS1-related condition. Last evaluated: 2025-11-18. Review status: criteria provided, single submitter. Criteria: ACMG Guidelines, 2015. Collection method: clinical testing. Allele origin: germline.
Comment: The ALMS1 c.446A>G variant is predicted to result in the amino acid substitution p.Asp149Gly. To our knowledge, this variant has not been reported in the literature or in a large population database (gnomAD), indicating this variant is rare. At this time, the clinical significance of this variant is uncertain due to the absence of conclusive functional and genetic evidence.